The following is an entry in ClinVar:

ClinVar aggregate classification (germline): Uncertain significance. Review status: criteria provided, multiple submitters, no conflicts (2 of 4 stars). 3 submissions from 3 submitters: Uncertain significance (3). Last evaluated 2024-09-27.

Conditions:
Inborn genetic diseases. Identifiers: MedGen C0950123, MeSH D030342.

Allele frequency attached by ClinVar (database versions not stated): gnomAD 0.00002 and 0.00004; TOPMed 0.00002; ExAC 0.00003.
gnomAD v4.1: 132 of 1,608,618 alleles (0.0082%); highest among the groups gnomAD compares: East Asian, 0.29%; no homozygotes.

Submissions (3):

GeneDx
Classification: Uncertain significance. Last evaluated: 2024-09-27. Review status: criteria provided, single submitter. Criteria: GeneDx Variant Classification Process June 2021. Collection method: clinical testing. Allele origin: germline. Affected: yes.
Comment: In silico analysis indicates that this missense variant does not alter protein structure/function; Has not been previously published as pathogenic or benign to our knowledge

Labcorp Genetics (formerly Invitae), Labcorp
Classification: Uncertain significance. Last evaluated: 2022-11-01. Review status: criteria provided, single submitter. Criteria: Invitae Variant Classification Sherloc (09022015). Collection method: clinical testing. Allele origin: germline.
Comment: This sequence change replaces aspartic acid, which is acidic and polar, with glutamic acid, which is acidic and polar, at codon 107 of the WHRN protein (p.Asp107Glu). This variant is present in population databases (rs766238813, gnomAD 0.08%). This variant has not been reported in the literature in individuals affected with WHRN-related conditions. ClinVar contains an entry for this variant (Variation ID: 1431079). Algorithms developed to predict the effect of missense changes on protein structure and function (SIFT, PolyPhen-2, Align-GVGD) all suggest that this variant is likely to be tolerated. In summary, the available evidence is currently insufficient to determine the role of this variant in disease. Therefore, it has been classified as a Variant of Uncertain Significance.

Ambry Genetics
Classification: Uncertain significance for Inborn genetic diseases. Last evaluated: 2021-09-27. Review status: criteria provided, single submitter. Criteria: Ambry Variant Classification Scheme 2023. Collection method: clinical testing. Allele origin: germline.

NM_015404.4(WHRN):c.321C>A (p.Asp107Glu)

Gene: WHRN (whirlin; minus strand). Cytogenetic location: 9q32.
Variant type: single nucleotide variant.
Coding change: c.321C>A on transcript NM_015404.4 (MANE Select); coding-DNA position 321, C replaced by A.
Protein change: p.Asp107Glu; replaces aspartic acid 107 with glutamic acid.
Molecular consequence: missense variant.
Genome position (GRCh38, 1-based): chr9:114,504,481, G>T on the plus strand (C>A on the coding strand, the complement: WHRN is on the minus strand). VCF-style: chr9-114504481-G-T. GRCh37 (hg19) VCF-style: chr9-117266761-G-T.
Other names: c.321C>A, p.Asp107Glu (NM_001173425.2); c.321C>A (NM_015404.3, NM_015404.2); short protein forms D107E.
Identifiers: ClinVar variation 1431079 (VCV001431079.5), dbSNP rs766238813, ClinGen allele CA5206317.
Genomic context (GRCh38, chr9:114,504,481, plus strand): 5'-CCAGGCGGGCTGCCTGTAGGGGGTGGTGGCGGGCAGGTAGAGGCCCTCGGCCGTGTATTG[G>T]TCGAAGAGCAGCTGGTCGGAGCGCGGGATGACCAGACGAAGCATGGGCAGCAGGCGCCGC-3'
Protein context (NP_056219.3, residues 97-117): VIPRSDQLLF[Asp107Glu]QYTAEGLYLP